The following is an entry in ClinVar:

NM_030777.4(SLC2A10):c.1269C>T (p.Phe423=)

Gene: SLC2A10 (solute carrier family 2 member 10; plus strand). Cytogenetic location: 20q13.12.
Variant type: single nucleotide variant.
Coding change: c.1269C>T on transcript NM_030777.4 (MANE Select); coding-DNA position 1269, C replaced by T.
Protein change: p.Phe423=; no amino-acid change (phenylalanine 423 retained).
Molecular consequence: synonymous variant.
Genome position (GRCh38, 1-based): chr20:46,726,305, C>T. VCF-style: chr20-46726305-C-T. GRCh37 (hg19) VCF-style: chr20-45354944-C-T.
Identifiers: ClinVar variation 391398 (VCV000391398.11), dbSNP rs1057524067, ClinGen allele CA16608374.
Genomic context (GRCh38, chr20:46,726,305, plus strand): 5'-GGGGCATGCACTGCTGCGCTGGACCGCACTGCTGTGCCTGATGGTCTTTGTCAGTGCCTT[C>T]TCCTTTGGGTTTGGGCCAGGTAAGTGGAGTTTTCTTGCAGGTGACTCTGGAGACTTCTAC-3'
Protein context (NP_110404.1, residues 413-433): LLCLMVFVSA[Phe423=]SFGFGPVTWL

ClinVar aggregate classification (germline): Likely benign. Review status: criteria provided, multiple submitters, no conflicts (2 of 4 stars). 3 submissions from 3 submitters: Likely benign (3). Last evaluated 2025-04-09.

Conditions:
Familial thoracic aortic aneurysm and aortic dissection (TAAD). Also called: Thoracic aortic aneurysms and dissections. Identifiers: Orphanet 91387, MedGen C4707243, MONDO:0019625.
Arterial tortuosity syndrome (ATORS). Identifiers: Orphanet 3342, MedGen C1859726, MONDO:0008818, OMIM 208050.

Allele frequency attached by ClinVar (database versions not stated): gnomAD 0.00001; TOPMed 0.00002.
gnomAD v4.1: 40 of 1,610,558 alleles (0.0025%); highest among the groups gnomAD compares: Non-Finnish European, 0.0032%; no homozygotes.

Submissions (3):

Labcorp Genetics (formerly Invitae), Labcorp
Classification: Likely benign for Arterial tortuosity syndrome. Last evaluated: 2025-04-09. Review status: criteria provided, single submitter. Criteria: Invitae Variant Classification Sherloc (09022015). Collection method: clinical testing. Allele origin: germline.

Ambry Genetics
Classification: Likely benign for Familial thoracic aortic aneurysm and aortic dissection. Last evaluated: 2020-01-02. Review status: criteria provided, single submitter. Criteria: Ambry Variant Classification Scheme 2023. Collection method: clinical testing. Allele origin: germline.

GeneDx
Classification: Likely benign. Last evaluated: 2016-12-06. Review status: criteria provided, single submitter. Criteria: GeneDx Variant Classification (06012015). Collection method: clinical testing. Allele origin: germline. Affected: yes.
Comment: This variant is considered likely benign or benign based on one or more of the following criteria: it is a conservative change, it occurs at a poorly conserved position in the protein, it is predicted to be benign by multiple in silico algorithms, and/or has population frequency not consistent with disease.